The following is an entry in ClinVar:

NM_000823.4(GHRHR):c.213C>T (p.Gly71=)

Gene: GHRHR (growth hormone releasing hormone receptor; plus strand). Cytogenetic location: 7p14.3.
Variant type: single nucleotide variant.
Coding change: c.213C>T on transcript NM_000823.4 (MANE Select); coding-DNA position 213, C replaced by T.
Protein change: p.Gly71=; no amino-acid change (glycine 71 retained).
Molecular consequence: synonymous variant.
Genome position (GRCh38, 1-based): chr7:30,969,115, C>T. VCF-style: chr7-30969115-C-T. GRCh37 (hg19) VCF-style: chr7-31008730-C-T.
Identifiers: ClinVar variation 2418396 (VCV002418396.5), dbSNP rs768112214, ClinGen allele CA4208433.

ClinVar aggregate classification (germline): Uncertain significance (1 of 4 stars; one submission).

Allele frequency attached by ClinVar (database versions not stated): gnomAD 0.00001.
gnomAD v4.1: 28 of 1,579,274 alleles (0.0018%); highest among the groups gnomAD compares: East Asian, 0.0046%; no homozygotes.

Submission:

Labcorp Genetics (formerly Invitae), Labcorp
Classification: Uncertain significance. Last evaluated: 2022-10-17. Review status: criteria provided, single submitter. Criteria: Invitae Variant Classification Sherloc (09022015). Collection method: clinical testing. Allele origin: germline.
Comment: In summary, the available evidence is currently insufficient to determine the role of this variant in disease. Therefore, it has been classified as a Variant of Uncertain Significance. Algorithms developed to predict the effect of sequence changes on RNA splicing suggest that this variant may disrupt the consensus splice site. This variant has not been reported in the literature in individuals affected with GHRHR-related conditions. This variant is present in population databases (rs768112214, gnomAD 0.007%). This sequence change affects codon 71 of the GHRHR mRNA. It is a 'silent' change, meaning that it does not change the encoded amino acid sequence of the GHRHR protein.